The following is an entry in ClinVar:

ClinVar aggregate classification (germline): Uncertain significance (1 of 4 stars; one submission).

Submission:

Labcorp Genetics (formerly Invitae), Labcorp
Classification: Uncertain significance. Last evaluated: 2026-01-27. Review status: criteria provided, single submitter. Criteria: Invitae Variant Classification Sherloc (09022015). Collection method: clinical testing. Allele origin: germline.
Comment: This sequence change replaces alanine, which is neutral and non-polar, with threonine, which is neutral and polar, at codon 1432 of the MYO7A protein (p.Ala1432Thr). This variant is not present in population databases (gnomAD no frequency). This variant has not been reported in the literature in individuals affected with MYO7A-related conditions. ClinVar contains an entry for this variant (Variation ID: 3625385). Invitae Evidence Modeling of protein sequence and biophysical properties (such as structural, functional, and spatial information, amino acid conservation, physicochemical variation, residue mobility, and thermodynamic stability) indicates that this missense variant is not expected to disrupt MYO7A protein function with a negative predictive value of 95%. In summary, the available evidence is currently insufficient to determine the role of this variant in disease. Therefore, it has been classified as a Variant of Uncertain Significance.

NM_000260.4(MYO7A):c.4294G>A (p.Ala1432Thr)

Gene: MYO7A (myosin VIIA; plus strand). Cytogenetic location: 11q13.5.
Variant type: single nucleotide variant.
Coding change: c.4294G>A on transcript NM_000260.4 (MANE Select); coding-DNA position 4294, G replaced by A.
Protein change: p.Ala1432Thr; replaces alanine 1432 with threonine.
Molecular consequence: missense variant.
Genome position (GRCh38, 1-based): chr11:77,194,495, G>A. VCF-style: chr11-77194495-G-A. GRCh37 (hg19) VCF-style: chr11-76905540-G-A.
Other names: c.4294G>A, p.Ala1432Thr (NM_001127180.2); c.4261G>A, p.Ala1421Thr (NM_001369365.1); short protein forms A1421T, A1432T.
Identifiers: ClinVar variation 3625385 (VCV003625385.2).
Genomic context (GRCh38, chr11:77,194,495, plus strand): 5'-CTCGTGCCCACCTACATCCCCGACCGCGAGATCACGCCCCTGAAGACGCTGGAGAAGTGG[G>A]CCCAGCTGGCCATCGCCGCCCACAAGAAGGTAGAAGGGCTGAGAGGAGTCCTAGAGAAGG-3'
Protein context (NP_000251.3, residues 1422-1442): ITPLKTLEKW[Ala1432Thr]QLAIAAHKKG